The following is an entry in ClinVar:

ClinVar aggregate classification (germline): Pathogenic (1 of 4 stars; one submission).

Conditions:
Hereditary cancer-predisposing syndrome. Also called: Hereditary Cancer Syndrome; Neoplastic Syndromes, Hereditary; Hereditary neoplastic syndrome; Tumor predisposition. Identifiers: Orphanet 140162, MedGen C0027672, MeSH D009386, MONDO:0015356.

Submission:

Ambry Genetics
Classification: Pathogenic for Hereditary cancer-predisposing syndrome. Last evaluated: 2016-06-18. Review status: criteria provided, single submitter. Criteria: Ambry Variant Classification Scheme 2023. Collection method: clinical testing. Allele origin: germline.
Comment: The c.2165_2169delCTGGT pathogenic mutation, located in coding exon 4 of the MSH6 gene, results from a deletion of 5 nucleotides between nucleotide positions 2165 and 2169, causing a translational frameshift with a predicted alternate stop codon. Since frameshifts are typically deleterious in nature, this alteration is interpreted as a disease-causing mutation (ACMG Recommendations for Standards for Interpretation and Reporting of Sequence Variations. Revision 2007. Genet Med. 2008;10:294).

NM_000179.3(MSH6):c.2165_2169del (p.Ser722fs)

Gene: MSH6 (mutS homolog 6; plus strand). Cytogenetic location: 2p16.3.
Variant type: Deletion.
Coding change: c.2165_2169del on transcript NM_000179.3 (MANE Select); coding-DNA positions 2165 to 2169, 5 bases deleted (CTGGT; older notation c.2165_2169delCTGGT).
Protein change: p.Ser722fs; shifts the reading frame from serine 722.
Molecular consequence: frameshift variant.
Genome position (GRCh38, 1-based): chr2:47,800,148-47,800,152, CTGGT deleted; deleting any 5 consecutive bases within chr2:47,800,147-47,800,152 gives the same sequence; the c. name uses the placement nearest the transcript's 3' end. VCF-style (leftmost placement, unchanged base first): chr2-47800146-ATCTGG-A. GRCh37 (hg19) VCF-style: chr2-48027285-ATCTGG-A.
Other names: c.1775_1779del, p.Ser592fs (NM_001281492.2); c.1259_1263del, p.Ser420fs (NM_001281493.2, NM_001281494.2); c.2165_2169delCTGGT (NM_000179.2); short protein forms S592fs, S722fs, S420fs.
Identifiers: ClinVar variation 428425 (VCV000428425.5), dbSNP rs1114167786, ClinGen allele CA645369267.